The following is an entry in ClinVar:

NM_001412.4(EIF1AX):c.46_49delinsT (p.Lys16_Asn17delinsTyr)

Gene: EIF1AX (eukaryotic translation initiation factor 1A X-linked; minus strand). Cytogenetic location: Xp22.12.
Variant type: Indel.
Coding change: c.46_49delinsT on transcript NM_001412.4 (MANE Select); coding-DNA positions 46 to 49, AAGA replaced by T.
Protein change: p.Lys16_Asn17delinsTyr.
Molecular consequence: inframe indel.
Genome position (GRCh38, 1-based): chrX:20,138,590-20,138,593, TCTT replaced by A on the plus strand (AAGA replaced by T on the coding strand, the reverse complement: EIF1AX is on the minus strand). VCF-style: chrX-20138590-TCTT-A. GRCh37 (hg19) VCF-style: chrX-20156708-TCTT-A.
Identifiers: ClinVar variation 4530059 (VCV004530059.1).

ClinVar aggregate classification (somatic clinical impact): Tier I - Strong (1 of 4 stars; one submission).

Conditions:
Melanoma. Identifiers: MedGen C0025202, MeSH D008545, MONDO:0005105, HP:0002861.

Submission:

Institute for Genomic Medicine (IGM) Clinical Laboratory, Nationwide Children's Hospital
Classification: Tier I - Strong for Melanoma. Assertion type: diagnostic. Clinical significance: supports diagnosis. Last evaluated: 2025-03-25. Review status: criteria provided, single submitter. Criteria: AMP/ASCO/CAP Guidelines, 2017. Collection method: clinical testing. Allele origin: somatic. Affected: yes.
Comment: Variant has Tier I (strong) clinical significance as a diagnostic inclusion criterion in melanoma, based on the following evidence: 1) Appears in one or more well-established professional guidelines (e.g., World Health Organization [WHO]; National Comprehensive Cancer Network [NCCN]) as providing diagnostic, prognostic, or therapeutic information. 2) Diagnostic for a specific tumor type/classification based on well-powered studies with expert-level consensus (Evidence Level B; PMIDs: 24970262, 26769193, 29891723).

Literature cited by the submitters: PubMed 24970262; PubMed 26769193; PubMed 29891723.